The following is an entry in ClinVar:

ClinVar aggregate classification (germline): Uncertain significance (1 of 4 stars; one submission).

Conditions:
Hereditary cancer-predisposing syndrome. Also called: Tumor predisposition; Hereditary Cancer Syndrome; Hereditary neoplastic syndrome; Neoplastic Syndromes, Hereditary. Identifiers: Orphanet 140162, MedGen C0027672, MeSH D009386, MONDO:0015356.

Submission:

Ambry Genetics
Classification: Uncertain significance for Hereditary cancer-predisposing syndrome. Last evaluated: 2024-05-03. Review status: criteria provided, single submitter. Criteria: Ambry Variant Classification Scheme 2023. Collection method: clinical testing. Allele origin: germline.
Comment: The p.V467D variant (also known as c.1400T>A), located in coding exon 3 of the MET gene, results from a T to A substitution at nucleotide position 1400. The valine at codon 467 is replaced by aspartic acid, an amino acid with highly dissimilar properties. This amino acid position is conserved. In addition, the in silico prediction for this alteration is inconclusive. Based on the available evidence, the clinical significance of this variant remains unclear.

NM_000245.4(MET):c.1400T>A (p.Val467Asp)

Gene: MET (MET proto-oncogene, receptor tyrosine kinase; plus strand). Cytogenetic location: 7q31.2.
Variant type: single nucleotide variant.
Coding change: c.1400T>A on transcript NM_000245.4 (MANE Select); coding-DNA position 1400, T replaced by A.
Protein change: p.Val467Asp; replaces valine 467 with aspartic acid.
Molecular consequence: missense variant.
Genome position (GRCh38, 1-based): chr7:116,739,957, T>A. VCF-style: chr7-116739957-T-A. GRCh37 (hg19) VCF-style: chr7-116380011-T-A.
Other names: c.1400T>A, p.Val467Asp (NM_001127500.3, NM_001324401.3); c.110T>A, p.Val37Asp (NM_001324402.2); short protein forms V37D, V467D.
Identifiers: ClinVar variation 3294350 (VCV003294350.1).